The following is an entry in ClinVar:

NM_022489.4(INF2):c.1888A>G (p.Ile630Val)

Gene: INF2 (inverted formin 2; plus strand). Cytogenetic location: 14q32.33.
Variant type: single nucleotide variant.
Coding change: c.1888A>G on transcript NM_022489.4 (MANE Select); coding-DNA position 1888, A replaced by G.
Protein change: p.Ile630Val; replaces isoleucine 630 with valine.
Molecular consequence: missense variant.
Genome position (GRCh38, 1-based): chr14:104,708,671, A>G. VCF-style: chr14-104708671-A-G. GRCh37 (hg19) VCF-style: chr14-105175008-A-G.
Other names: c.1888A>G, p.Ile630Val (NM_001031714.4); short protein forms I630V.
Identifiers: ClinVar variation 1782006 (VCV001782006.4), dbSNP rs1007799807, ClinGen allele CA267324318.
Genomic context (GRCh38, chr14:104,708,671, plus strand): 5'-ACCGGGGCCGCCTGCCTGGCCACCCTCCGGTACCAGCCTGTTGGGTGGGGGGTTTTCTAG[A>G]TCACTTTCCTCGATGCCAAGAAGAGCCTGAACCTCAACATCTTCCTGAAGCAATTTAAGT-3'
Protein context (NP_071934.3, residues 620-640): APRARKEPKE[Ile630Val]TFLDAKKSLN

ClinVar aggregate classification (germline): Uncertain significance. Review status: criteria provided, multiple submitters, no conflicts (2 of 4 stars). 2 submissions from 2 submitters: Uncertain significance (2). Last evaluated 2024-02-11.

Conditions:
Focal segmental glomerulosclerosis 5 (FSGS5). Identifiers: Orphanet 656, MedGen C2750475, MONDO:0013191, OMIM 613237.
Charcot-Marie-Tooth disease dominant intermediate E. Also called: CHARCOT-MARIE-TOOTH NEUROPATHY WITH FOCAL SEGMENTAL GLOMERULONEPHRITIS. Identifiers: Orphanet 93114, MedGen C4302667, MONDO:0013758, OMIM 614455.
Inborn genetic diseases. Identifiers: MedGen C0950123, MeSH D030342.

Allele frequency attached by ClinVar (database versions not stated): gnomAD 0.00001; gnomAD exomes 0.00001; TOPMed 0.00001.
gnomAD v4.1: 7 of 1,612,756 alleles (0.00043%); highest among the groups gnomAD compares: Non-Finnish European, 0.00059%; no homozygotes.

Submissions (2):

Labcorp Genetics (formerly Invitae), Labcorp
Classification: Uncertain significance for Charcot-Marie-Tooth disease dominant intermediate E; Focal segmental glomerulosclerosis 5. Last evaluated: 2024-02-11. Review status: criteria provided, single submitter. Criteria: Invitae Variant Classification Sherloc (09022015). Collection method: clinical testing. Allele origin: germline.
Comment: This sequence change replaces isoleucine, which is neutral and non-polar, with valine, which is neutral and non-polar, at codon 630 of the INF2 protein (p.Ile630Val). This variant is not present in population databases (gnomAD no frequency). This variant has not been reported in the literature in individuals affected with INF2-related conditions. ClinVar contains an entry for this variant (Variation ID: 1782006). Algorithms developed to predict the effect of missense changes on protein structure and function output the following: SIFT: "Not Available"; PolyPhen-2: "Not Available"; Align-GVGD: "Not Available". The valine amino acid residue is found in multiple mammalian species, which suggests that this missense change does not adversely affect protein function. In summary, the available evidence is currently insufficient to determine the role of this variant in disease. Therefore, it has been classified as a Variant of Uncertain Significance.

Ambry Genetics
Classification: Uncertain significance for Inborn genetic diseases. Last evaluated: 2020-12-10. Review status: criteria provided, single submitter. Criteria: Ambry Variant Classification Scheme 2023. Collection method: clinical testing. Allele origin: germline.
Comment: The p.I630V variant (also known as c.1888A>G) is located in coding exon 9 of the INF2 gene. The isoleucine at codon 630 is replaced by valine, an amino acid with highly similar properties. This change occurs in the first base pair of coding exon 9. This amino acid position is not well conserved in available vertebrate species. In addition, this alteration is predicted to be tolerated by in silico analysis. Since supporting evidence is limited at this time, the clinical significance of this alteration remains unclear.